The following is an entry in ClinVar:

ClinVar aggregate classification (germline): Uncertain significance (1 of 4 stars; one submission).

Conditions:
Joubert syndrome. Also called: CEREBELLOPARENCHYMAL DISORDER IV; JOUBERT-BOLTSHAUSER SYNDROME; Familial aplasia of the vermis. Identifiers: Orphanet 475, MedGen C5979921, MONDO:0018772.

Allele frequency attached by ClinVar (database versions not stated): TOPMed below 0.00001.

Submission:

Labcorp Genetics (formerly Invitae), Labcorp
Classification: Uncertain significance for Joubert syndrome. Last evaluated: 2021-09-17. Review status: criteria provided, single submitter. Criteria: Invitae Variant Classification Sherloc (09022015). Collection method: clinical testing. Allele origin: germline.
Comment: This sequence change replaces cysteine with glycine at codon 764 of the AHI1 protein (p.Cys764Gly). The cysteine residue is weakly conserved and there is a large physicochemical difference between cysteine and glycine. This variant is not present in population databases (ExAC no frequency). This variant has not been reported in the literature in individuals affected with AHI1-related conditions. Advanced modeling of protein sequence and biophysical properties (such as structural, functional, and spatial information, amino acid conservation, physicochemical variation, residue mobility, and thermodynamic stability) performed at Invitae indicates that this missense variant is not expected to disrupt AHI1 protein function. In summary, the available evidence is currently insufficient to determine the role of this variant in disease. Therefore, it has been classified as a Variant of Uncertain Significance.

NM_001134831.2(AHI1):c.2290T>G (p.Cys764Gly)

Gene: AHI1 (Abelson helper integration site 1; minus strand). Cytogenetic location: 6q23.3.
Variant type: single nucleotide variant.
Coding change: c.2290T>G on transcript NM_001134831.2 (MANE Select); coding-DNA position 2290, T replaced by G.
Protein change: p.Cys764Gly; replaces cysteine 764 with glycine.
Molecular consequence: missense variant.
Genome position (GRCh38, 1-based): chr6:135,431,291, A>C on the plus strand (T>G on the coding strand, the complement: AHI1 is on the minus strand). VCF-style: chr6-135431291-A-C. GRCh37 (hg19) VCF-style: chr6-135752429-A-C.
Other names: c.2290T>G, p.Cys764Gly (NM_001134830.2, NM_001134832.2, NM_001350503.2 and 2 more transcripts); short protein forms C764G.
Identifiers: ClinVar variation 1443290 (VCV001443290.3), dbSNP rs1029862405, ClinGen allele CA148121057.
Genomic context (GRCh38, chr6:135,431,291, plus strand): 5'-CTGAATGTTCCAAATCATTAATCTTGACATAGGTATTCCAAACAACAATCACCCCTGTAC[A>C]ATCTCCTGAATACATATGATGACCTATTTAAAAAAATAAGATCACTCACTTATGAATGTC-3'
Protein context (NP_001128303.1, residues 754-774): TEGHHMYSGD[Cys764Gly]TGVIVVWNTY